The following is an entry in ClinVar:

NM_004341.5(CAD):c.6071G>A (p.Arg2024Gln)

Gene: CAD (carbamoyl-phosphate synthetase 2, aspartate transcarbamylase, and dihydroorotase; plus strand). Cytogenetic location: 2p23.3.
Variant type: single nucleotide variant.
Coding change: c.6071G>A on transcript NM_004341.5 (MANE Select); coding-DNA position 6071, G replaced by A.
Protein change: p.Arg2024Gln; replaces arginine 2024 with glutamine.
Molecular consequence: missense variant.
Genome position (GRCh38, 1-based): chr2:27,242,098, G>A. VCF-style: chr2-27242098-G-A. GRCh37 (hg19) VCF-style: chr2-27464966-G-A.
Other names: c.6071G>A (NM_004341.3, NM_004341.4); c.5882G>A, p.Arg1961Gln (NM_001306079.2); short protein forms R2024Q, R1961Q.
Identifiers: ClinVar variation 203466 (VCV000203466.12), dbSNP rs763410987, ClinGen allele CA1574096.

ClinVar aggregate classification (germline): Conflicting classifications of pathogenicity. Review status: criteria provided, conflicting classifications (1 of 4 stars). 5 submissions from 5 submitters: Likely pathogenic (1); Uncertain significance (3). 1 of the submissions does not count toward it. Last evaluated 2025-04-29.

Conditions:
Developmental and epileptic encephalopathy, 50 (DEE50). Also called: Epileptic encephalopathy, early infantile, 50. Identifiers: Orphanet 448010, MedGen C4225320, MONDO:0014647, OMIM 616457.

Allele frequency attached by ClinVar (database versions not stated): ExAC 0.00001; gnomAD 0.00001; gnomAD exomes 0.00001 and 0.00002; TOPMed 0.00002.
gnomAD v4.1: 30 of 1,612,862 alleles (0.0019%); highest among the groups gnomAD compares: Non-Finnish European, 0.0024%; no homozygotes.

Submissions (5):

GeneDx
Classification: Likely pathogenic. Last evaluated: 2025-04-29. Review status: criteria provided, single submitter. Criteria: GeneDx Variant Classification Process June 2021. Collection method: clinical testing. Allele origin: germline. Affected: yes.
Comment: Published functional studies demonstrate a strong reduction in enzymatic activity (PMID: 27265852); Not observed at significant frequency in large population cohorts (gnomAD); In silico analysis supports that this missense variant has a deleterious effect on protein structure/function; This variant is associated with the following publications: (PMID: 25678555, 34638594, 32820246, 37540500, 35242569, 35277149, 27265852)

Women's Health and Genetics/Laboratory Corporation of America, LabCorp
Classification: Uncertain significance. Last evaluated: 2024-10-11. Review status: criteria provided, single submitter. Criteria: LabCorp Variant Classification Summary - May 2015. Collection method: clinical testing. Allele origin: germline.
Comment: Variant summary: CAD c.6071G>A (p.Arg2024Gln) results in a conservative amino acid change located in the Aspartate/ornithine carbamoyltransferase, carbamoyl-P binding domain (IPR006132) of the encoded protein sequence. Four of five in-silico tools predict a damaging effect of the variant on protein function. The variant allele was found at a frequency of 1.2e-05 in 249014 control chromosomes. c.6071G>A has been reported in the literature in individuals affected with CAD deficiency (Ng_2015, Rymen_2020). These data indicate that the variant may be associated with disease. One study utilizing a CAD knockout complementation assay showed that c.6071G>A failed to rescue cell growth and survival in absense of uridine supplementation (del Cano-Ochoa_2020), having as much activity as the empty vector control. The following publications have been ascertained in the context of this evaluation (PMID: 25678555, 32820246, 32461667). ClinVar contains an entry for this variant (Variation ID: 203466). Based on the evidence outlined above, the variant was classified as VUS-possibly pathogenic.

Blueprint Genetics
Classification: Uncertain significance. Last evaluated: 2023-06-29. Review status: criteria provided, single submitter. Criteria: ACMG Guidelines, 2015. Collection method: clinical testing. Allele origin: germline.

Labcorp Genetics (formerly Invitae), Labcorp
Classification: Uncertain significance. Last evaluated: 2022-08-09. Review status: criteria provided, single submitter. Criteria: Invitae Variant Classification Sherloc (09022015). Collection method: clinical testing. Allele origin: germline.
Comment: This sequence change replaces arginine, which is basic and polar, with glutamine, which is neutral and polar, at codon 2024 of the CAD protein (p.Arg2024Gln). This variant is present in population databases (rs763410987, gnomAD 0.003%). This missense change has been observed in individuals with clinical features of CAD-related conditions (PMID: 25678555, 32820246). ClinVar contains an entry for this variant (Variation ID: 203466). Algorithms developed to predict the effect of missense changes on protein structure and function (SIFT, PolyPhen-2, Align-GVGD) all suggest that this variant is likely to be disruptive. Experimental studies have shown that this missense change affects CAD function (PMID: 25678555, 32461667). Algorithms developed to predict the effect of sequence changes on RNA splicing suggest that this variant may create or strengthen a splice site. In summary, the available evidence is currently insufficient to determine the role of this variant in disease. Therefore, it has been classified as a Variant of Uncertain Significance.

OMIM
Classification: Pathogenic for DEVELOPMENTAL AND EPILEPTIC ENCEPHALOPATHY 50. Last evaluated: 2015-06-01. Review status: no assertion criteria provided. Collection method: literature only. Allele origin: germline. Not counted in ClinVar's aggregate classification.

Literature cited by the submitters: PubMed 32820246 (cited by Women's Health and Genetics/Laboratory Corporation of America, LabCorp and Labcorp Genetics (formerly Invitae), Labcorp); PubMed 25678555 (cited by 3 submitters); PubMed 32461667 (cited by Women's Health and Genetics/Laboratory Corporation of America, LabCorp and Labcorp Genetics (formerly Invitae), Labcorp).